The following is an entry in ClinVar:

NM_001457.4(FLNB):c.4222+8A>G

Gene: FLNB (filamin B; plus strand). Cytogenetic location: 3p14.3.
Variant type: single nucleotide variant.
Coding change: c.4222+8A>G on transcript NM_001457.4 (MANE Select); 8 bases into the intron after coding-DNA position 4222, A replaced by G.
Molecular consequence: intron variant.
Genome position (GRCh38, 1-based): chr3:58,126,770, A>G. VCF-style: chr3-58126770-A-G. GRCh37 (hg19) VCF-style: chr3-58112497-A-G.
Other names: c.4222+8A>G (NM_001164317.2, NM_001164318.2, NM_001164319.2).
Identifiers: ClinVar variation 380481 (VCV000380481.64), dbSNP rs190025781, ClinGen allele CA2468688.

ClinVar aggregate classification (germline): Benign/Likely benign. Review status: criteria provided, multiple submitters, no conflicts (2 of 4 stars). 11 submissions from 11 submitters: Benign (3); Likely benign (5). 3 of the submissions do not count toward it. Last evaluated 2026-02-02.

Conditions:
Connective tissue disorder. Also called: Connective tissue disease. Identifiers: MedGen C0009782, MONDO:0003900.
FLNB-Related Spectrum Disorders.

Allele frequency attached by ClinVar (database versions not stated): 1000 Genomes Project 0.00240; gnomAD 0.00248 and 0.00257; ESP Exome Variant Server 0.00254; TOPMed 0.00296; 1000 Genomes Project 30x 0.00312; gnomAD exomes 0.00334 and 0.00365; ExAC 0.00347.
gnomAD v4.1: 5,708 of 1,612,656 alleles (0.35%); highest among the groups gnomAD compares: Middle Eastern, 0.79%; 20 homozygotes.

Submissions (11):

Labcorp Genetics (formerly Invitae), Labcorp
Classification: Benign. Last evaluated: 2026-02-02. Review status: criteria provided, single submitter. Criteria: Invitae Variant Classification Sherloc (09022015). Collection method: clinical testing. Allele origin: germline.

CeGaT Center for Human Genetics Tuebingen
Classification: Likely benign. Last evaluated: 2025-12-01. Review status: criteria provided, single submitter. Criteria: CeGaT Center For Human Genetics Tuebingen Variant Classification Criteria Version 2. Collection method: clinical testing. Allele origin: germline. Affected: yes. Observed: 13 variant alleles.
Comment: FLNB: BP4, BS2

Blueprint Genetics
Classification: Likely benign. Last evaluated: 2024-11-15. Review status: criteria provided, single submitter. Criteria: ACMG Guidelines, 2015. Collection method: clinical testing. Allele origin: germline.

ARUP Laboratories, Molecular Genetics and Genomics, ARUP Laboratories
Classification: Benign. Last evaluated: 2023-09-08. Review status: criteria provided, single submitter. Criteria: ARUP Molecular Germline Variant Investigation Process 2024. Collection method: clinical testing. Allele origin: germline.

Genome Diagnostics Laboratory, The Hospital for Sick Children
Classification: Benign for Connective tissue disorder. Last evaluated: 2020-01-01. Review status: criteria provided, single submitter. Criteria: ACMG Guidelines, 2015. Collection method: clinical testing. Allele origin: germline.

Illumina Laboratory Services, Illumina
Classification: Likely benign for FLNB-Related Spectrum Disorders. Last evaluated: 2018-01-12. Review status: criteria provided, single submitter. Criteria: ICSL Variant Classification Criteria 13 December 2019. Collection method: clinical testing. Allele origin: germline.
Comment: This variant was observed in the ICSL laboratory as part of a predisposition screen in an ostensibly healthy population. It had not been previously curated by ICSL or reported in the Human Gene Mutation Database (HGMD: prior to June 1st, 2018), and was therefore a candidate for classification through an automated scoring system. Utilizing variant allele frequency, disease prevalence and penetrance estimates, and inheritance mode, an automated score was calculated to assess if this variant is too frequent to cause the disease. Based on the score and internal cut-off values, a variant classified as likely benign is not then subjected to further curation. The score for this variant resulted in a classification of likely benign for this disease.

Eurofins Ntd Llc (ga)
Classification: Likely benign. Last evaluated: 2017-05-23. Review status: criteria provided, single submitter. Criteria: EGL Classification Definitions 2015. Collection method: clinical testing. Allele origin: germline. Observed: 2 variant alleles, 2 heterozygotes.

GeneDx
Classification: Likely benign. Last evaluated: 2016-08-04. Review status: criteria provided, single submitter. Criteria: GeneDx Variant Classification (06012015). Collection method: clinical testing. Allele origin: germline. Affected: yes.
Comment: This variant is considered likely benign or benign based on one or more of the following criteria: it is a conservative change, it occurs at a poorly conserved position in the protein, it is predicted to be benign by multiple in silico algorithms, and/or has population frequency not consistent with disease.

Clinical Genetics DNA and cytogenetics Diagnostics Lab, Erasmus MC, Erasmus Medical Center
Classification: Likely benign. Review status: no assertion criteria provided. Collection method: clinical testing. Allele origin: germline. Affected: yes. Study: VKGL Data-share Consensus. Not counted in ClinVar's aggregate classification.

Genome Diagnostics Laboratory, Amsterdam University Medical Center
Classification: Benign. Review status: no assertion criteria provided. Collection method: clinical testing. Allele origin: germline. Affected: yes. Study: VKGL Data-share Consensus. Not counted in ClinVar's aggregate classification.

Laboratory of Diagnostic Genome Analysis, Leiden University Medical Center (LUMC)
Classification: Likely benign. Review status: no assertion criteria provided. Collection method: clinical testing. Allele origin: germline. Affected: yes. Study: VKGL Data-share Consensus. Not counted in ClinVar's aggregate classification.